The following is an entry in ClinVar:

ClinVar aggregate classification (germline): Likely benign (1 of 4 stars; one submission).

Submission:

CeGaT Center for Human Genetics Tuebingen
Classification: Likely benign. Last evaluated: 2026-07-01. Review status: criteria provided, single submitter. Criteria: CeGaT Center For Human Genetics Tuebingen Variant Classification Criteria Version 2. Collection method: clinical testing. Allele origin: germline. Affected: yes. Observed: 2 variant alleles.
Comment: MADD: PM2:Supporting, BP4, BP7

NM_001376571.1(MADD):c.408A>T (p.Ser136=)

Gene: MADD (MAP kinase activating death domain; plus strand). Cytogenetic location: 11p11.2.
Variant type: single nucleotide variant.
Coding change: c.408A>T on transcript NM_001376571.1 (MANE Select); coding-DNA position 408, A replaced by T.
Protein change: p.Ser136=; no amino-acid change (serine 136 retained).
Molecular consequence: synonymous variant. On other transcripts: non-coding transcript variant (8), intron variant (1).
Genome position (GRCh38, 1-based): chr11:47,274,908, A>T. VCF-style: chr11-47274908-A-T. GRCh37 (hg19) VCF-style: chr11-47296459-A-T.
Other names: c.408A>T, p.Ser136= (NM_001135943.2, NM_001135944.2, NM_001376572.1 and 80 more transcripts); c.204A>T, p.Ser68= (NM_001376620.1, NM_001376626.1, NM_001376627.1 and 9 more transcripts); c.-7-991A>T (NM_001376663.1).
Identifiers: ClinVar variation 4873118 (VCV004873118.2).